The following is an entry in ClinVar:

NM_007294.4(BRCA1):c.5078_5080del (p.Ala1693del)

Gene: BRCA1 (BRCA1 DNA repair associated; minus strand). Cytogenetic location: 17q21.31.
Variant type: Deletion.
Coding change: c.5078_5080del on transcript NM_007294.4 (MANE Select); coding-DNA positions 5078 to 5080, 3 bases deleted (CTG; older notation c.5078_5080delCTG).
Protein change: p.Ala1693del; deletes alanine 1693.
Molecular consequence: inframe deletion. On other transcripts: inframe indel (364), non-coding transcript variant (1).
Genome position (GRCh38, 1-based): chr17:43,063,946-43,063,948, CAG deleted on the plus strand (CTG on the coding strand, the reverse complement: BRCA1 is on the minus strand); deleting any 3 consecutive bases within chr17:43,063,946-43,063,950 gives the same sequence; the c. name uses the placement nearest the transcript's 3' end. VCF-style (leftmost placement, unchanged base first): chr17-43063945-TCAG-T. GRCh37 (hg19) VCF-style: chr17-41215962-TCAG-T.
Other names: 5197del3; c.5076_5078delTGC, p.Ala1693del (NM_001407593.1, NM_001407594.1, NM_001407596.1 and 7 more transcripts); c.5073_5075delTGC, p.Ala1692del (NM_001407610.1, NM_001407611.1, NM_001407620.1 and 17 more transcripts); c.5070_5072delTGC, p.Ala1691del (NM_001407627.1, NM_001407628.1, NM_001407629.1 and 14 more transcripts); c.4863_4865delTGC, p.Ala1622del (NM_001407907.1, NM_001407908.1, NM_001407909.1 and 12 more transcripts); c.4860_4862delTGC, p.Ala1621del (NM_001407915.1, NM_001407916.1, NM_001407917.1 and 1 more transcripts); c.4953_4955delTGC, p.Ala1652del (NM_001407919.1, NM_001407664.1, NM_001407665.1 and 6 more transcripts); c.4812_4814delTGC, p.Ala1605del (NM_001407920.1, NM_001407921.1, NM_001407922.1 and 4 more transcripts); and 76 more; short protein forms A1693del, A1714del, A589del, A1646del, A1396del, A1565del, A1580del, A1581del.
Identifiers: ClinVar variation 55386 (VCV000055386.22), dbSNP rs80358345, ClinGen allele CA003219.

ClinVar aggregate classification (germline): Pathogenic/Likely pathogenic. Review status: criteria provided, multiple submitters, no conflicts (2 of 4 stars). 8 submissions from 8 submitters: Pathogenic (1); Likely pathogenic (5). 2 of the submissions do not count toward it. Last evaluated 2025-05-27.

Conditions:
Hereditary cancer-predisposing syndrome. Also called: Hereditary Cancer Syndrome; Hereditary neoplastic syndrome; Neoplastic Syndromes, Hereditary; Tumor predisposition. Identifiers: Orphanet 140162, MedGen C0027672, MeSH D009386, MONDO:0015356.
Hereditary breast ovarian cancer syndrome. Also called: BRCA1- and BRCA2-Associated Hereditary Breast and Ovarian Cancer; Hereditary breast and ovarian cancer syndrome; Hereditary breast and ovarian cancer syndrome (HBOC); Breast and ovarian cancer; Hereditary breast and/or ovarian cancer syndrome; Hereditary breast and ovarian cancer. Identifiers: Orphanet 145, MedGen C0677776, MeSH D061325, MONDO:0003582. Disease mechanism: loss of function.
Breast-ovarian cancer, familial, susceptibility to, 1 (BROVCA1). Also called: BRCA1 Hereditary Breast and Ovarian Cancer; OVARIAN CANCER, SUSCEPTIBILITY TO. Identifiers: Orphanet 145, MedGen C2676676, MONDO:0011450, OMIM 604370. Disease mechanism: loss of function.

Submissions (8):

Labcorp Genetics (formerly Invitae), Labcorp
Classification: Likely pathogenic for Hereditary breast ovarian cancer syndrome. Last evaluated: 2025-05-27. Review status: criteria provided, single submitter. Criteria: Invitae Variant Classification Sherloc (09022015). Collection method: clinical testing. Allele origin: germline.
Comment: This variant, c.5078_5080del, results in the deletion of 1 amino acid(s) of the BRCA1 protein (p.Ala1693del), but otherwise preserves the integrity of the reading frame. RNA analysis indicates that this variant induces altered splicing and may result in an absent or altered protein product. This variant is not present in population databases (gnomAD no frequency). This variant has been observed in individual(s) with breast and/or ovarian cancer (PMID: 12955716, 29446198, 29884136). This variant is also known as 5197_5199del3. ClinVar contains an entry for this variant (Variation ID: 55386). Studies have shown that this variant results in skipping of exon 17, and produces a non-functional protein and/or introduces a premature termination codon (PMID: 12955719, 22505045; internal data). In summary, the currently available evidence indicates that the variant is pathogenic, but additional data are needed to prove that conclusively. Therefore, this variant has been classified as Likely Pathogenic.

Baylor Genetics
Classification: Likely pathogenic for Breast-ovarian cancer, familial, susceptibility to, 1. Last evaluated: 2023-06-23. Review status: criteria provided, single submitter. Criteria: ACMG Guidelines, 2015. Collection method: clinical testing. Allele origin: unknown.

Ambry Genetics
Classification: Likely pathogenic for Hereditary cancer-predisposing syndrome. Last evaluated: 2023-01-30. Review status: criteria provided, single submitter. Criteria: Ambry Variant Classification Scheme 2023. Collection method: clinical testing. Allele origin: germline.
Comment: The c.5078_5080delCTG variant (also known as p.A1693del) is located in coding exon 16 of the BRCA1 gene. This variant results from an in-frame deletion of 3 nucleotides at positions 5078 to 5080. This results in the in-frame deletion of an alanine at codon 1693. This alteration (also designated as c.5196del3 and c.5197_5199del3 in the literature) has been identified in Spanish breast and ovarian cancer cohorts (Diez, O et al. Hum Mutat. 2003 Oct;22(4):301-12; Pajares B et al. BMC Cancer 2018 Jun;18(1):647). This alteration was deleterious in a transcriptional activation assay (Nepomuceno TC et al. Sci Rep 2022 Sep;12(1):16203). RNA studies have shown this variant to result in the in-frame deletion of coding exon 16 (Campos, B et al. Hum Mutat. 2003 Oct;22(4):337; Houdayer, C et al. Hum Mutat. 2012 Aug;33(8):1228-38). Based on the majority of available evidence to date, this variant is likely to be pathogenic.

Genologica Medica
Classification: Likely pathogenic for Breast-ovarian cancer, familial, susceptibility to, 1. Last evaluated: 2017-01-01. Review status: criteria provided, single submitter. Criteria: ACMG Guidelines, 2015. Collection method: clinical testing. Allele origin: germline. Affected: yes.

GeneDx
Classification: Likely pathogenic. Last evaluated: 2016-02-12. Review status: criteria provided, single submitter. Criteria: GeneDx Variant Classification (06012015). Collection method: clinical testing. Allele origin: germline. Affected: yes.
Comment: This in-frame deletion of 3 nucleotides in BRCA1 is denoted c.5078_5080delCTG at the cDNA level and p.Ala1693del (A1693del) at the protein level. Using alternate nomenclature, this variant would be defined as BRCA1 c.5197_5199delCTG. The normal sequence, with the bases that are deleted in braces, is GATG[CTG]AGTT. This deletion of a single Alanine residue occurs at a position that is not conserved across species and is located in the BRCT 1 domain and a region known to interact with multiple proteins (Narod 2004, Paul 2014). This variant was observed in a breast/ovarian cancer family and was shown in splicing assays to result in skipping of exon 18 in both cDNA and RNA (DÃ­ez 2003, Houdayer 2012, Campos 2003). We consider this deletion to be likely pathogenic.

Consortium of Investigators of Modifiers of BRCA1/2 (CIMBA), c/o University of Cambridge
Classification: Pathogenic for Breast-ovarian cancer, familial, susceptibility to, 1. Last evaluated: 2015-10-02. Review status: criteria provided, single submitter. Criteria: CIMBA Mutation Classification guidelines May 2016. Collection method: clinical testing. Allele origin: germline.

Sharing Clinical Reports Project (SCRP)
Classification: Uncertain significance for Breast-ovarian cancer, familial 1. Last evaluated: 2007-03-30. Review status: no assertion criteria provided. Collection method: clinical testing. Allele origin: germline. Not counted in ClinVar's aggregate classification.

Breast Cancer Information Core (BIC) (BRCA1)
Classification: Uncertain significance for Breast-ovarian cancer, familial 1. Last evaluated: 2000-06-12. Review status: no assertion criteria provided. Collection method: clinical testing. Allele origin: germline. Affected: yes. Observed: 2 variant alleles. Not counted in ClinVar's aggregate classification.

Literature cited by the submitters: PubMed 12955716 (cited by Labcorp Genetics (formerly Invitae), Labcorp); PubMed 29446198 (cited by Labcorp Genetics (formerly Invitae), Labcorp); PubMed 29884136 (cited by Labcorp Genetics (formerly Invitae), Labcorp and Ambry Genetics); PubMed 12955719 (cited by Labcorp Genetics (formerly Invitae), Labcorp); PubMed 22505045 (cited by Labcorp Genetics (formerly Invitae), Labcorp); PubMed 25136594 (cited by Ambry Genetics); PubMed 36171434 (cited by Ambry Genetics).